The following is an entry in ClinVar:

NM_005188.4(CBL):c.383A>T (p.Gln128Leu)

Gene: CBL (Cbl proto-oncogene; plus strand). Cytogenetic location: 11q23.3.
Variant type: single nucleotide variant.
Coding change: c.383A>T on transcript NM_005188.4 (MANE Select); coding-DNA position 383, A replaced by T.
Protein change: p.Gln128Leu; replaces glutamine 128 with leucine.
Molecular consequence: missense variant.
Genome position (GRCh38, 1-based): chr11:119,232,635, A>T. VCF-style: chr11-119232635-A-T. GRCh37 (hg19) VCF-style: chr11-119103345-A-T.
Other names: short protein forms Q128L.
Identifiers: ClinVar variation 3485604 (VCV003485604.2).

ClinVar aggregate classification (germline): Uncertain significance. Review status: criteria provided, multiple submitters, no conflicts (2 of 4 stars). 2 submissions from 2 submitters: Uncertain significance (2). Last evaluated 2025-10-27.

Conditions:
Cardiovascular phenotype. Identifiers: MedGen CN230736.
RASopathy. Also called: rasopathies; Noonan spectrum disorder. Identifiers: Orphanet 536391, MedGen C5555857, MONDO:0021060.

Submissions (2):

Labcorp Genetics (formerly Invitae), Labcorp
Classification: Uncertain significance for RASopathy. Last evaluated: 2025-10-27. Review status: criteria provided, single submitter. Criteria: Invitae Variant Classification Sherloc (09022015). Collection method: clinical testing. Allele origin: germline.
Comment: This sequence change replaces glutamine, which is neutral and polar, with leucine, which is neutral and non-polar, at codon 128 of the CBL protein (p.Gln128Leu). This variant is not present in population databases (gnomAD no frequency). This variant has not been reported in the literature in individuals affected with CBL-related conditions. ClinVar contains an entry for this variant (Variation ID: 3485604). Invitae Evidence Modeling of protein sequence and biophysical properties (such as structural, functional, and spatial information, amino acid conservation, physicochemical variation, residue mobility, and thermodynamic stability) indicates that this missense variant is not expected to disrupt CBL protein function with a negative predictive value of 95%. In summary, the available evidence is currently insufficient to determine the role of this variant in disease. Therefore, it has been classified as a Variant of Uncertain Significance.

Ambry Genetics
Classification: Uncertain significance for Cardiovascular phenotype. Last evaluated: 2024-11-03. Review status: criteria provided, single submitter. Criteria: Ambry Variant Classification Scheme 2023. Collection method: clinical testing. Allele origin: germline.
Comment: The p.Q128L variant (also known as c.383A>T), located in coding exon 2 of the CBL gene, results from an A to T substitution at nucleotide position 383. The glutamine at codon 128 is replaced by leucine, an amino acid with dissimilar properties. This amino acid position is conserved. In addition, this alteration is predicted to be deleterious by in silico analysis. Based on the available evidence, the clinical significance of this variant remains unclear.